The following is an entry in ClinVar:

NM_001394062.1(MACF1):c.11325G>A (p.Ser3775=)

Gene: MACF1 (microtubule actin crosslinking factor 1; plus strand). Cytogenetic location: 1p34.3.
Variant type: single nucleotide variant.
Coding change: c.11325G>A on transcript NM_001394062.1 (MANE Select); coding-DNA position 11325, G replaced by A.
Protein change: p.Ser3775=; no amino-acid change (serine 3775 retained).
Molecular consequence: synonymous variant.
Genome position (GRCh38, 1-based): chr1:39,353,132, G>A. VCF-style: chr1-39353132-G-A. GRCh37 (hg19) VCF-style: chr1-39818804-G-A.
Other names: c.5139G>A, p.Ser1713= (NM_012090.5).
Identifiers: ClinVar variation 2899120 (VCV002899120.5), dbSNP rs150239827, ClinGen allele CA781570.

ClinVar aggregate classification (germline): Benign/Likely benign. Review status: criteria provided, multiple submitters, no conflicts (2 of 4 stars). 3 submissions from 3 submitters: Benign (1); Likely benign (1). 1 of the submissions does not count toward it. Last evaluated 2023-09-01.

Conditions:
MACF1-related disorder. Also called: MACF1-related condition.

Allele frequency attached by ClinVar (database versions not stated): gnomAD exomes 0.00006; ExAC 0.00015; TOPMed 0.00025; gnomAD 0.00028; ESP Exome Variant Server 0.00038; 1000 Genomes Project 30x 0.00047; 1000 Genomes Project 0.00060.
gnomAD v4.1: 128 of 1,614,106 alleles (0.0079%); highest among the groups gnomAD compares: African/African-American, 0.073%; 1 homozygote.

Submissions (3):

Blueprint Genetics
Classification: Likely benign. Last evaluated: 2023-09-01. Review status: criteria provided, single submitter. Criteria: ACMG Guidelines, 2015. Collection method: clinical testing. Allele origin: germline.

Labcorp Genetics (formerly Invitae), Labcorp
Classification: Benign. Last evaluated: 2023-05-03. Review status: criteria provided, single submitter. Criteria: Invitae Variant Classification Sherloc (09022015). Collection method: clinical testing. Allele origin: germline.

PreventionGenetics, part of Exact Sciences
Classification: Likely benign for MACF1-related condition. Last evaluated: 2024-05-20. Review status: no assertion criteria provided. Collection method: clinical testing. Allele origin: germline. Not counted in ClinVar's aggregate classification.
Comment: This variant is classified as likely benign based on ACMG/AMP sequence variant interpretation guidelines (Richards et al. 2015 PMID: 25741868, with internal and published modifications).